The following is an entry in ClinVar:

NM_007118.4(TRIO):c.9254_9274del (p.Ile3085_Ser3091del)

Gene: TRIO (trio Rho guanine nucleotide exchange factor; plus strand). Cytogenetic location: 5p15.2.
Variant type: Deletion.
Coding change: c.9254_9274del on transcript NM_007118.4 (MANE Select); coding-DNA positions 9254 to 9274, 21 bases deleted (TTAAAAACTTTCTGCAGAGCA).
Protein change: p.Ile3085_Ser3091del.
Molecular consequence: non-coding transcript variant (on NR_134469.2).
Genome position (GRCh38, 1-based): chr5:14,508,382-14,508,402, TTAAAAACTTTCTGCAGAGCA deleted; deleting any 21 consecutive bases within chr5:14,508,378-14,508,402 gives the same sequence; the c. name uses the placement nearest the transcript's 3' end. VCF-style (leftmost placement, unchanged base first): chr5-14508377-TAGCATTAAAAACTTTCTGCAG-T. GRCh37 (hg19) VCF-style: chr5-14508486-TAGCATTAAAAACTTTCTGCAG-T.
Identifiers: ClinVar variation 5040612 (VCV005040612.1).

ClinVar aggregate classification (germline): Uncertain significance (1 of 4 stars; one submission).

Submission:

CeGaT Center for Human Genetics Tuebingen
Classification: Uncertain significance. Last evaluated: 2026-08-01. Review status: criteria provided, single submitter. Criteria: CeGaT Center For Human Genetics Tuebingen Variant Classification Criteria Version 2. Collection method: clinical testing. Allele origin: germline. Affected: yes. Observed: 1 variant allele.
Comment: TRIO: PM2, PM4